The following is an entry in ClinVar:

NM_016247.4(IMPG2):c.283G>T (p.Glu95Ter)

Gene: IMPG2 (interphotoreceptor matrix proteoglycan 2; minus strand). Cytogenetic location: 3q12.3.
Variant type: single nucleotide variant.
Coding change: c.283G>T on transcript NM_016247.4 (MANE Select); coding-DNA position 283, G replaced by T.
Protein change: p.Glu95Ter; replaces glutamic acid 95 with a stop codon.
Molecular consequence: nonsense.
Genome position (GRCh38, 1-based): chr3:101,319,635, C>A on the plus strand (G>T on the coding strand, the complement: IMPG2 is on the minus strand). VCF-style: chr3-101319635-C-A. GRCh37 (hg19) VCF-style: chr3-101038479-C-A.
Other names: short protein forms E95*.
Identifiers: ClinVar variation 3653790 (VCV003653790.2).

ClinVar aggregate classification (germline): Pathogenic (1 of 4 stars; one submission).

Submission:

Labcorp Genetics (formerly Invitae), Labcorp
Classification: Pathogenic. Last evaluated: 2024-06-05. Review status: criteria provided, single submitter. Criteria: Invitae Variant Classification Sherloc (09022015). Collection method: clinical testing. Allele origin: germline.
Comment: This sequence change creates a premature translational stop signal (p.Glu95*) in the IMPG2 gene. It is expected to result in an absent or disrupted protein product. Loss-of-function variants in IMPG2 are known to be pathogenic (PMID: 20673862). This variant is not present in population databases (gnomAD no frequency). This variant has not been reported in the literature in individuals affected with IMPG2-related conditions. Algorithms developed to predict the effect of sequence changes on RNA splicing suggest that this variant may disrupt the consensus splice site. For these reasons, this variant has been classified as Pathogenic.

Literature cited by the submitters: PubMed 20673862.